The following is an entry in ClinVar:

ClinVar aggregate classification (germline): Conflicting classifications of pathogenicity. Review status: criteria provided, conflicting classifications (1 of 4 stars). 6 submissions from 6 submitters: Pathogenic (1); Likely pathogenic (3); Uncertain significance (1). 1 of the submissions does not count toward it. Last evaluated 2025-10-08.

Conditions:
Oculocutaneous albinism type 3 (OCA3). Also called: Rufous OCA; Rufous albinism; RUFOUS OCULOCUTANEOUS ALBINISM; XANTHISM; ALBINISM III; Albinism, oculocutaneous, type III. Identifiers: Orphanet 79433, MedGen C0342683, MONDO:0008747, OMIM 203290.
MELANESIAN BLOND HAIR (SHEP11). Also called: Skin/hair/eye pigmentation, variation in, 11; SKIN/HAIR/EYE PIGMENTATION 11, BLUE/NONBLUE EYES. Identifiers: MedGen C2677086, OMIM 612271.

Allele frequency attached by ClinVar (database versions not stated): TOPMed 0.00008; 1000 Genomes Project 0.00020; 1000 Genomes Project 30x 0.00031; gnomAD exomes 0.00002 and 0.00003; ExAC 0.00002; gnomAD 0.00006.

Submissions (6):

Labcorp Genetics (formerly Invitae), Labcorp
Classification: Likely pathogenic. Last evaluated: 2025-10-08. Review status: criteria provided, single submitter. Criteria: Invitae Variant Classification Sherloc (09022015). Collection method: clinical testing. Allele origin: germline.
Comment: This sequence change replaces glutamic acid, which is acidic and polar, with lysine, which is basic and polar, at codon 139 of the TYRP1 protein (p.Glu139Lys). This variant is present in population databases (rs201789348, gnomAD 0.007%). This missense change has been observed in individual(s) with albinism and/or clinical features of ocular albinism (PMID: 39201349; internal data). In at least one individual the data is consistent with being in trans (on the opposite chromosome) from a pathogenic variant. ClinVar contains an entry for this variant (Variation ID: 282003). Invitae Evidence Modeling of protein sequence and biophysical properties (such as structural, functional, and spatial information, amino acid conservation, physicochemical variation, residue mobility, and thermodynamic stability) indicates that this missense variant is not expected to disrupt TYRP1 protein function with a negative predictive value of 80%. Studies have shown that this missense change alters mRNA splicing and is expected to lead to the loss of protein expression (PMID: 39201349). In summary, the currently available evidence indicates that the variant is pathogenic, but additional data are needed to prove that conclusively. Therefore, this variant has been classified as Likely Pathogenic.

Women's Health and Genetics/Laboratory Corporation of America, LabCorp
Classification: Likely pathogenic for Oculocutaneous albinism type 3. Last evaluated: 2025-06-06. Review status: criteria provided, single submitter. Criteria: LabCorp Variant Classification Summary - May 2015. Collection method: clinical testing. Allele origin: germline.
Comment: Variant summary: TYRP1 c.415G>A (p.Glu139Lys) results in a conservative amino acid change in the encoded protein sequence. Algorithms developed to predict the effect of missense changes on protein structure and function are either unavailable or do not agree on the potential impact of this missense change. At least one publication reports experimental evidence that this variant affects mRNA splicing (Diallo_2024, LCG internal data). The variant allele was found at a frequency of 2.4e-05 in 250898 control chromosomes. c.415G>A has been observed in an individual affected with Oculocutaneous albinism type 3 (Diallo_2024). These data indicate that the variant may be associated with disease. The following publications have been ascertained in the context of this evaluation (PMID: 39201349). ClinVar contains an entry for this variant (Variation ID: 282003). Based on the evidence outlined above, the variant was classified as likely pathogenic.

Fulgent Genetics
Classification: Likely pathogenic for Oculocutaneous albinism type 3; MELANESIAN BLOND HAIR. Last evaluated: 2024-06-22. Review status: criteria provided, single submitter. Criteria: ACMG Guidelines, 2015. Collection method: clinical testing. Allele origin: germline.

Molecular Genetics, University Hospital Bordeaux
Classification: Pathogenic for Oculocutaneous albinism type 3. Last evaluated: 2023-06-04. Review status: criteria provided, single submitter. Criteria: ACMG Guidelines, 2015. Collection method: clinical testing, in vitro. Allele origin: inherited, not applicable. Affected: yes. Functional consequence: sequence_variant_affecting_splicing.

Blueprint Genetics
Classification: Uncertain significance. Last evaluated: 2022-01-07. Review status: criteria provided, single submitter. Criteria: ACMG Guidelines, 2015. Collection method: clinical testing. Allele origin: germline.

Eurofins Ntd Llc (ga)
Classification: Uncertain significance. Last evaluated: 2015-08-04. Review status: flagged submission. Criteria: EGL Classification Definitions 2015. Collection method: clinical testing. Allele origin: germline. Observed: 1 variant allele, 1 heterozygote. Not counted in ClinVar's aggregate classification.
ClinVar note: Reason: Older and outlier claim with insufficient supporting evidence

Literature cited by the submitters: PubMed 39201349 (cited by Labcorp Genetics (formerly Invitae), Labcorp and Women's Health and Genetics/Laboratory Corporation of America, LabCorp).

NM_000550.3(TYRP1):c.415G>A (p.Glu139Lys)

Gene: TYRP1 (tyrosinase related protein 1; plus strand). Cytogenetic location: 9p23.
Variant type: single nucleotide variant.
Coding change: c.415G>A on transcript NM_000550.3 (MANE Select); coding-DNA position 415, G replaced by A.
Protein change: p.Glu139Lys; replaces glutamic acid 139 with lysine.
Molecular consequence: missense variant.
Genome position (GRCh38, 1-based): chr9:12,695,544, G>A. VCF-style: chr9-12695544-G-A. GRCh37 (hg19) VCF-style: chr9-12695544-G-A.
Other names: short protein forms E139K.
Identifiers: ClinVar variation 282003 (VCV000282003.18), dbSNP rs201789348, ClinGen allele CA4985223.